The following is an entry in ClinVar:

NM_004937.3(CTNS):c.790_791del (p.Gln264fs)

Gene: CTNS (cystinosin, lysosomal cystine transporter; plus strand). Cytogenetic location: 17p13.2.
Variant type: Deletion.
Coding change: c.790_791del on transcript NM_004937.3 (MANE Select); coding-DNA positions 790 to 791, 2 bases deleted (CA; older notation c.790_791delCA).
Protein change: p.Gln264fs; shifts the reading frame from glutamine 264.
Molecular consequence: frameshift variant.
Genome position (GRCh38, 1-based): chr17:3,658,113-3,658,114, CA deleted. VCF-style (leftmost placement, unchanged base first): chr17-3658112-GCA-G. GRCh37 (hg19) VCF-style: chr17-3561406-GCA-G.
Other names: c.790_791del, p.Gln264fs (NM_001031681.3, NM_001374492.1); c.349_350del, p.Gln117fs (NM_001374493.1, NM_001374494.1, NM_001374495.1 and 1 more transcripts); short protein forms Q117fs, Q264fs.
Identifiers: ClinVar variation 965725 (VCV000965725.10), dbSNP rs2076198775, ClinGen allele CA1139665059.

ClinVar aggregate classification (germline): Pathogenic (1 of 4 stars; one submission).

Conditions:
Inborn genetic diseases. Identifiers: MedGen C0950123, MeSH D030342.
Ocular cystinosis. Also called: Non-Nephropathic Cystinosis; Non-Nephropathic (Ocular) Cystinosis. Identifiers: Orphanet 213, Orphanet 411641, MedGen C2931013, MONDO:0009064, OMIM 219750.
Juvenile nephropathic cystinosis. Also called: Intermediate Cystinosis; CYSTINOSIS, LATE-ONSET JUVENILE OR ADOLESCENT NEPHROPATHIC TYPE; Later-Onset (Juvenile) Cystinosis. Identifiers: Orphanet 213, Orphanet 411634, MedGen C0268626, MONDO:0009066, OMIM 219900.

Submission:

Labcorp Genetics (formerly Invitae), Labcorp
Classification: Pathogenic for Inborn genetic diseases; Ocular cystinosis; Juvenile nephropathic cystinosis. Last evaluated: 2019-10-03. Review status: criteria provided, single submitter. Criteria: Invitae Variant Classification Sherloc (09022015). Collection method: clinical testing. Allele origin: germline.
Comment: This sequence change creates a premature translational stop signal (p.Gln264Valfs*31) in the CTNS gene. It is expected to result in an absent or disrupted protein product. Loss-of-function variants in CTNS are known to be pathogenic (PMID: 9537412, 27102039). This variant has not been reported in the literature in individuals with CTNS-related conditions. This variant is not present in population databases (ExAC no frequency). For these reasons, this variant has been classified as Pathogenic.

Literature cited by the submitters: PubMed 9537412; PubMed 27102039.